The following is an entry in ClinVar:

NM_017617.5(NOTCH1):c.6083-5C>T

Genes: NOTCH1 (notch receptor 1; minus strand), LOC126860794 (BRD4-independent group 4 enhancer GRCh37_chr9:139392592-139393791; plus strand). Cytogenetic location: 9q34.3.
Variant type: single nucleotide variant.
Coding change: c.6083-5C>T on transcript NM_017617.5 (MANE Select); 5 bases into the intron before coding-DNA position 6083, C replaced by T.
Molecular consequence: intron variant.
Genome position (GRCh38, 1-based): chr9:136,499,001, G>A on the plus strand (C>T on the coding strand, the complement: NOTCH1 is on the minus strand). VCF-style: chr9-136499001-G-A. GRCh37 (hg19) VCF-style: chr9-139393453-G-A.
Other names: c.6083-5C>T (LRG_1122t1).
Identifiers: ClinVar variation 415418 (VCV000415418.18), dbSNP rs199786076, ClinGen allele CA5340025.

ClinVar aggregate classification (germline): Benign/Likely benign. Review status: criteria provided, multiple submitters, no conflicts (2 of 4 stars). 6 submissions from 5 submitters: Benign (2); Likely benign (4). Last evaluated 2025-11-17.

Conditions:
Aortic valve disease 1 (AOVD1). Identifiers: MedGen C3887892, MONDO:0024523, OMIM 109730.
Familial thoracic aortic aneurysm and aortic dissection (TAAD). Also called: Thoracic aortic aneurysms and dissections. Identifiers: Orphanet 91387, MedGen C4707243, MONDO:0019625.
Adams-Oliver syndrome 5 (AOS5). Identifiers: Orphanet 974, MedGen C4014970, MONDO:0014459, OMIM 616028.

Allele frequency attached by ClinVar (database versions not stated): ExAC 0.00006; gnomAD exomes 0.00006 and 0.00007; ESP Exome Variant Server 0.00008; gnomAD 0.00009; 1000 Genomes Project 30x 0.00016; TOPMed 0.00019.
gnomAD v4.1: 93 of 1,613,244 alleles (0.0058%); highest among the groups gnomAD compares: Admixed American, 0.02%; no homozygotes.

Submissions (6):

Labcorp Genetics (formerly Invitae), Labcorp
Classification: Likely benign for Adams-Oliver syndrome 5. Last evaluated: 2025-11-17. Review status: criteria provided, single submitter. Criteria: Invitae Variant Classification Sherloc (09022015). Collection method: clinical testing. Allele origin: germline.

Ambry Genetics
Classification: Benign for Familial thoracic aortic aneurysm and aortic dissection. Last evaluated: 2025-10-22. Review status: criteria provided, single submitter. Criteria: Ambry Variant Classification Scheme 2023. Collection method: clinical testing. Allele origin: germline.

Women's Health and Genetics/Laboratory Corporation of America, LabCorp
Classification: Benign. Last evaluated: 2025-01-24. Review status: criteria provided, single submitter. Criteria: LabCorp Variant Classification Summary - May 2015. Collection method: clinical testing. Allele origin: germline.
Comment: Variant summary: NOTCH1 c.6083-5C>T alters a nucleotide located close to a canonical splice site and therefore could affect mRNA splicing, leading to a significantly altered protein sequence. Consensus agreement among computation tools predict no significant impact on normal splicing. However, these predictions have yet to be confirmed by functional studies. The variant allele was found at a frequency of 7.2e-05 in 248892 control chromosomes, predominantly at a frequency of 0.00011 within the Non-Finnish European subpopulation in the gnomAD database. The observed variant frequency within Non-Finnish European control individuals in the gnomAD database is approximately 176 fold of the estimated maximal expected allele frequency for a pathogenic variant in NOTCH1 causing Adams-Oliver Syndrome 5 phenotype (6.3e-07). To our knowledge, no occurrence of c.6083-5C>T in individuals affected with Adams-Oliver Syndrome 5 and no experimental evidence demonstrating its impact on protein function have been reported. ClinVar contains an entry for this variant (Variation ID: 415418). Based on the evidence outlined above, the variant was classified as benign.

Genome-Nilou Lab
Classification: Likely benign for Adams-Oliver syndrome 5. Last evaluated: 2022-03-15. Review status: criteria provided, single submitter. Criteria: ACMG Guidelines, 2015. Collection method: clinical testing. Allele origin: germline. Affected: no.

Genome-Nilou Lab
Classification: Likely benign for Aortic valve disease 1. Last evaluated: 2022-03-15. Review status: criteria provided, single submitter. Criteria: ACMG Guidelines, 2015. Collection method: clinical testing. Allele origin: germline. Affected: no.

GeneDx
Classification: Likely benign. Last evaluated: 2019-06-27. Review status: criteria provided, single submitter. Criteria: GeneDx Variant Classification Process June 2021. Collection method: clinical testing. Allele origin: germline. Affected: yes.